The following is an entry in ClinVar:

NM_001170629.2(CHD8):c.1848A>T (p.Glu616Asp)

Gene: CHD8 (chromodomain helicase DNA binding protein 8; minus strand). Cytogenetic location: 14q11.2.
Variant type: single nucleotide variant.
Coding change: c.1848A>T on transcript NM_001170629.2 (MANE Select); coding-DNA position 1848, A replaced by T.
Protein change: p.Glu616Asp; replaces glutamic acid 616 with aspartic acid.
Molecular consequence: missense variant.
Genome position (GRCh38, 1-based): chr14:21,415,776, T>A on the plus strand (A>T on the coding strand, the complement: CHD8 is on the minus strand). VCF-style: chr14-21415776-T-A. GRCh37 (hg19) VCF-style: chr14-21883935-T-A.
Other names: c.1011A>T, p.Glu337Asp (NM_020920.4); short protein forms E337D, E616D.
Identifiers: ClinVar variation 587819 (VCV000587819.5), dbSNP rs1566433722, ClinGen allele CA388879600.

ClinVar aggregate classification (germline): Uncertain significance (1 of 4 stars; one submission).

Conditions:
Inborn genetic diseases. Identifiers: MedGen C0950123, MeSH D030342.

Allele frequency attached by ClinVar (database versions not stated): gnomAD exomes below 0.00001.
gnomAD v4.1: 1 of 1,613,946 alleles (0.000062%); highest among the groups gnomAD compares: East Asian, 0.0022%; no homozygotes.

Submission:

Ambry Genetics
Classification: Uncertain significance for Inborn genetic diseases. Last evaluated: 2016-04-19. Review status: criteria provided, single submitter. Criteria: Ambry Variant Classification Scheme 2023. Collection method: clinical testing. Allele origin: germline.
Comment: The p.E616D variant (also known as c.1848A>T), located in coding exon 5 of the CHD8 gene, results from an A to T substitution at nucleotide position 1848. The glutamic acid at codon 616 is replaced by aspartic acid, an amino acid with highly similar properties. This variant was not reported in population based cohorts in the following databases: Database of Single Nucleotide Polymorphisms (dbSNP), NHLBI Exome Sequencing Project (ESP), and 1000 Genomes Project. In the ESP, this variant was not observed in 6075 samples (12150 alleles) with coverage at this position. This amino acid position is not well conserved in available vertebrate species. In addition, this alteration is predicted to be tolerated by in silico analysis. Since supporting evidence is limited at this time, the clinical significance of this alteration remains unclear.